The following is an entry in ClinVar:

NM_018082.6(POLR3B):c.3077G>A (p.Gly1026Asp)

Genes: POLR3B (RNA polymerase III subunit B; plus strand), LOC100287944 (uncharacterized LOC100287944; minus strand). Cytogenetic location: 12q23.3.
Variant type: single nucleotide variant.
Coding change: c.3077G>A on transcript NM_018082.6 (MANE Select); coding-DNA position 3077, G replaced by A.
Protein change: p.Gly1026Asp; replaces glycine 1026 with aspartic acid.
Molecular consequence: missense variant.
Genome position (GRCh38, 1-based): chr12:106,501,415, G>A. VCF-style: chr12-106501415-G-A. GRCh37 (hg19) VCF-style: chr12-106895193-G-A.
Other names: c.2903G>A, p.Gly968Asp (NM_001160708.2); short protein forms G1026D, G968D.
Identifiers: ClinVar variation 4083053 (VCV004083053.1).

ClinVar aggregate classification (germline): Uncertain significance (1 of 4 stars; one submission).

gnomAD v4.1: 1 of 1,609,870 alleles (0.000062%); highest among the groups gnomAD compares: East Asian, 0.0022%; no homozygotes.

Submission:

GeneDx
Classification: Uncertain significance. Last evaluated: 2025-03-12. Review status: criteria provided, single submitter. Criteria: GeneDx Variant Classification Process June 2021. Collection method: clinical testing. Allele origin: germline. Affected: yes.
Comment: Not observed at significant frequency in large population cohorts (gnomAD); In silico analysis supports that this missense variant has a deleterious effect on protein structure/function; Has not been previously published as pathogenic or benign to our knowledge